The following is an entry in ClinVar:

NM_001267550.2(TTN):c.107840T>A (p.Ile35947Asn)

Genes: TTN-AS1 (TTN antisense RNA 1; plus strand), TTN (titin; minus strand). Cytogenetic location: 2q31.2.
Variant type: single nucleotide variant.
Coding change: c.107840T>A on transcript NM_001267550.2 (MANE Select); coding-DNA position 107840, T replaced by A.
Protein change: p.Ile35947Asn; replaces isoleucine 35947 with asparagine.
Molecular consequence: missense variant.
Genome position (GRCh38, 1-based): chr2:178,527,148, A>T on the plus strand (T>A on the coding strand, the complement: TTN is on the minus strand). VCF-style: chr2-178527148-A-T. GRCh37 (hg19) VCF-style: chr2-179391875-A-T.
Other names: 293329T-A; AJ277892.2:g.293329T>A; c.102917T>A, p.Ile34306Asn (NM_001256850.1); c.80645T>A, p.Ile26882Asn (NM_003319.4); c.100136T>A, p.Ile33379Asn (NM_133378.4); c.81020T>A, p.Ile27007Asn (NM_133432.3); c.81221T>A, p.Ile27074Asn (NM_133437.4); c.107840T>A, p.Ile35947Asn (LRG_391t1); short protein forms I33379N, I34306N, I35947N, I27007N, I27074N, I26882N.
Identifiers: ClinVar variation 12654 (VCV000012654.16), dbSNP rs281864928, ClinGen allele CA341213.

ClinVar aggregate classification (germline): Pathogenic/Likely pathogenic. Review status: criteria provided, multiple submitters, no conflicts (2 of 4 stars). 6 submissions from 6 submitters: Pathogenic (1); Likely pathogenic (2). 3 of the submissions do not count toward it. Last evaluated 2025-10-07.

Conditions:
Autosomal recessive limb-girdle muscular dystrophy type 2J (LGMDR10). Also called: MUSCULAR DYSTROPHY, LIMB-GIRDLE, AUTOSOMAL RECESSIVE 10; Limb-girdle muscular dystrophy, type 2J. Identifiers: Orphanet 140922, MedGen C1837342, MONDO:0012127, OMIM 608807.
Dilated cardiomyopathy 1G (CMD1G). Identifiers: Orphanet 154, MedGen C1858763, MONDO:0011400, OMIM 604145.
Tibial muscular dystrophy (TMD). Also called: Tibial muscular dystrophy, tardive; Udd Distal Myopathy – Tibial Muscular Dystrophy; UDD MYOPATHY. Identifiers: Orphanet 609, MedGen C1838244, MONDO:0010870, OMIM 600334.

Allele frequency attached by ClinVar (database versions not stated): ExAC 0.00001.
gnomAD v4.1: 18 of 1,613,844 alleles (0.0011%); highest among the groups gnomAD compares: Non-Finnish European, 0.0015%; no homozygotes.

Submissions (6):

Institute of Immunology and Genetics Kaiserslautern
Classification: Likely pathogenic for Tibial muscular dystrophy; Autosomal recessive limb-girdle muscular dystrophy type 2J. Last evaluated: 2025-10-07. Review status: criteria provided, single submitter. Criteria: ACMG Guidelines, 2015. Collection method: clinical testing. Allele origin: germline. Affected: yes.
Comment: ACMG Criteria: PM1, PM2_P, PM3, PP3, PP5; Variant was found in heterozygous state together with TTN-variant c.32705C>T,p.(Ala10902Val) .

Labcorp Genetics (formerly Invitae), Labcorp
Classification: Likely pathogenic for Dilated cardiomyopathy 1G; Autosomal recessive limb-girdle muscular dystrophy type 2J. Last evaluated: 2025-02-27. Review status: criteria provided, single submitter. Criteria: Invitae Variant Classification Sherloc (09022015). Collection method: clinical testing. Allele origin: germline.
Comment: This sequence change replaces isoleucine, which is neutral and non-polar, with asparagine, which is neutral and polar, at codon 35947 of the TTN protein (p.Ile35947Asn). This variant is present in population databases (rs281864928, gnomAD 0.0009%). This missense change has been observed in individual(s) with clinical features of autosomal recessive TTN-related conditions (PMID: 27796757, 31561939; internal data). In at least one individual the data is consistent with being in trans (on the opposite chromosome) from a pathogenic variant. This variant has been reported in individual(s) with autosomal dominant tibial muscular dystrophy (PMID: 12891679); however, the role of the variant in this condition is currently unclear. This variant is also known as ATT>AAT change at position 293,329, I35947N, or I57N. ClinVar contains an entry for this variant (Variation ID: 12654). Algorithms developed to predict the effect of variants on gene product structure and function are not available or were not evaluated for this variant. Experimental studies have shown that this missense change does not substantially affect TTN function (25877298 25739468). This variant is located in the M band of TTN (PMID: 25589632). Non-truncating variants in this region may be relevant for neuromuscular disorders, but have not been definitively shown to cause cardiomyopathy (PMID: 23975875). In summary, the currently available evidence indicates that the variant is pathogenic, but additional data are needed to prove that conclusively. Therefore, this variant has been classified as Likely Pathogenic.

Institute of Human Genetics Munich, TUM University Hospital
Classification: Pathogenic for Tibial muscular dystrophy. Last evaluated: 2020-02-12. Review status: criteria provided, single submitter. Criteria: Classification criteria August 2017. Collection method: clinical testing. Allele origin: germline. Inheritance: Autosomal dominant inheritance. Affected: yes. Observed: 2 heterozygotes. Clinical features observed: Dysphagia (HP:0002015), Muscular dystrophy (HP:0003560), Distal muscle weakness (HP:0002460), Increased intramuscular fat (HP:0008985), Myopathy (HP:0003198).

Solve-RD Consortium
Classification: Likely pathogenic for Autosomal recessive limb-girdle muscular dystrophy type 2J. Last evaluated: 2022-06-01. Review status: no assertion criteria provided. Collection method: provider interpretation. Allele origin: inherited. Affected: yes. Not counted in ClinVar's aggregate classification.
Comment: Variant confirmed as disease-causing by referring clinical team

Variant identified during reanalysis of unsolved cases by the Solve-RD project. The Solve-RD project has received funding from the European Union’s Horizon 2020 research and innovation programme under grant agreement No 779257.

OMIM
Classification: Pathogenic for TIBIAL MUSCULAR DYSTROPHY, TARDIVE. Last evaluated: 2003-08-01. Review status: no assertion criteria provided. Collection method: literature only. Allele origin: germline. Not counted in ClinVar's aggregate classification.

GeneReviews
No classification provided. Condition: Tibial muscular dystrophy. Review status: no classification provided. Collection method: literature only. Allele origin: germline. Not counted in ClinVar's aggregate classification.

Literature cited by the submitters: PubMed 27796757 (cited by Labcorp Genetics (formerly Invitae), Labcorp); PubMed 31561939 (cited by Labcorp Genetics (formerly Invitae), Labcorp); PubMed 12891679 (cited by 3 submitters); PubMed 25589632 (cited by Labcorp Genetics (formerly Invitae), Labcorp); PubMed 23975875 (cited by Labcorp Genetics (formerly Invitae), Labcorp); PubMed 39825153 (cited by Solve-RD Consortium); PubMed 20301498 (cited by GeneReviews).